The following is an entry in ClinVar:

NM_022124.6(CDH23):c.2733del (p.Val912fs)

Gene: CDH23 (cadherin related 23; plus strand). Cytogenetic location: 10q22.1.
Variant type: Deletion.
Coding change: c.2733del on transcript NM_022124.6 (MANE Select); coding-DNA position 2733, one base deleted (A; older notation c.2733delA).
Protein change: p.Val912fs; shifts the reading frame from valine 912.
Molecular consequence: frameshift variant.
Genome position (GRCh38, 1-based): chr10:71,702,694, A deleted; the last of 2 consecutive A bases (chr10:71,702,693-71,702,694); deleting either gives the same sequence. VCF-style (leftmost placement, unchanged base first): chr10-71702692-CA-C. GRCh37 (hg19) VCF-style: chr10-73462449-CA-C.
Other names: c.2733del, p.Val912fs (NM_001171930.2, NM_001171931.2); short protein forms V912fs.
Identifiers: ClinVar variation 2866465 (VCV002866465.3), dbSNP rs2494051576, ClinGen allele CA2574574915.

ClinVar aggregate classification (germline): Pathogenic (1 of 4 stars; one submission).

Submission:

Labcorp Genetics (formerly Invitae), Labcorp
Classification: Pathogenic. Last evaluated: 2023-08-31. Review status: criteria provided, single submitter. Criteria: Invitae Variant Classification Sherloc (09022015). Collection method: clinical testing. Allele origin: germline.
Comment: For these reasons, this variant has been classified as Pathogenic. This variant has not been reported in the literature in individuals affected with CDH23-related conditions. This variant is not present in population databases (gnomAD no frequency). This sequence change creates a premature translational stop signal (p.Val912Trpfs*10) in the CDH23 gene. It is expected to result in an absent or disrupted protein product. Loss-of-function variants in CDH23 are known to be pathogenic (PMID: 11138009, 21940737).

Literature cited by the submitters: PubMed 11138009; PubMed 21940737.